The following is an entry in ClinVar:

ClinVar aggregate classification (germline): Uncertain significance (1 of 4 stars; one submission).

Allele frequency attached by ClinVar (database versions not stated): ExAC 0.00001; gnomAD exomes 0.00002.
gnomAD v4.1: 30 of 1,614,062 alleles (0.0019%); highest among the groups gnomAD compares: East Asian, 0.0022%; no homozygotes.

Submission:

Labcorp Genetics (formerly Invitae), Labcorp
Classification: Uncertain significance. Last evaluated: 2022-11-27. Review status: criteria provided, single submitter. Criteria: Invitae Variant Classification Sherloc (09022015). Collection method: clinical testing. Allele origin: germline.
Comment: This sequence change replaces isoleucine, which is neutral and non-polar, with threonine, which is neutral and polar, at codon 853 of the DISP1 protein (p.Ile853Thr). This variant is present in population databases (rs748388363, gnomAD 0.005%). This variant has not been reported in the literature in individuals affected with DISP1-related conditions. Algorithms developed to predict the effect of missense changes on protein structure and function are either unavailable or do not agree on the potential impact of this missense change (SIFT: "Deleterious"; PolyPhen-2: "Possibly Damaging"; Align-GVGD: "Class C0"). In summary, the available evidence is currently insufficient to determine the role of this variant in disease. Therefore, it has been classified as a Variant of Uncertain Significance.

NM_001377229.1(DISP1):c.2558T>C (p.Ile853Thr)

Gene: DISP1 (dispatched RND transporter family member 1; plus strand). Cytogenetic location: 1q41.
Variant type: single nucleotide variant.
Coding change: c.2558T>C on transcript NM_001377229.1 (MANE Select); coding-DNA position 2558, T replaced by C.
Protein change: p.Ile853Thr; replaces isoleucine 853 with threonine.
Molecular consequence: missense variant.
Genome position (GRCh38, 1-based): chr1:223,003,955, T>C. VCF-style: chr1-223003955-T-C. GRCh37 (hg19) VCF-style: chr1-223177297-T-C.
Other names: c.1829T>C, p.Ile610Thr (NM_001350630.2); c.2558T>C, p.Ile853Thr (NM_001369594.1, NM_001377228.1, NM_032890.5); short protein forms I610T, I853T.
Identifiers: ClinVar variation 2978979 (VCV002978979.3), dbSNP rs748388363, ClinGen allele CA1409261.